The following is an entry in ClinVar:

NM_001367721.1(CASK):c.429+1G>A

Gene: CASK (calcium/calmodulin dependent serine protein kinase; minus strand). Cytogenetic location: Xp11.4.
Variant type: single nucleotide variant.
Coding change: c.429+1G>A on transcript NM_001367721.1 (MANE Select); the canonical splice donor site of the intron after coding-DNA position 429, G replaced by A.
Molecular consequence: splice donor variant.
Genome position (GRCh38, 1-based): chrX:41,739,383, C>T on the plus strand (G>A on the coding strand, the complement: CASK is on the minus strand). VCF-style: chrX-41739383-C-T. GRCh37 (hg19) VCF-style: chrX-41598636-C-T.
Other names: c.429+1G>A (NM_001126055.3, NM_001410745.1, NM_001126054.3 and 1 more transcripts).
Identifiers: ClinVar variation 279730 (VCV000279730.2), dbSNP rs886041153, ClinGen allele CA10603671.
Genomic context (GRCh38, chrX:41,739,383, plus strand): 5'-TATCATTGTTATATCAGTATTTCTTCACAAACATTAAAGTTAGTGATAACAAATGACTTA[C>T]CTTCACATCCCTGTGAATTATGTTATTATCATGGCAGTAGCGTAGAGCTTCCAGTATCTG-3'

ClinVar aggregate classification (germline): Pathogenic (1 of 4 stars; one submission).

Submission:

GeneDx
Classification: Pathogenic. Last evaluated: 2018-10-04. Review status: criteria provided, single submitter. Criteria: GeneDx Variant Classification (06012015). Collection method: clinical testing. Allele origin: germline. Affected: yes.
Comment: The c.429+1 G>A splice site variant destroys the canonical splice donor site in intron 5 of the CASK gene. It is predicted to cause abnormal gene splicing, either leading to an abnormal message that is subject to nonsense-mediated mRNA decay, or to an abnormal protein product if the message is used for protein translation. Although this variant is novel, other splice site variant in CASK have been previously reported (Stenson et al., 2009). Therefore, the presence of c.429+1 G>A is consistent with a diagnosis of a CASK-related disorder